The following is an entry in ClinVar:

ClinVar aggregate classification (germline): Uncertain significance. Review status: criteria provided, multiple submitters, no conflicts (2 of 4 stars). 2 submissions from 2 submitters: Uncertain significance (2). Last evaluated 2025-10-15.

Conditions:
Immunodeficiency due to CD25 deficiency. Also called: CD25 DEFICIENCY; IL2RA DEFICIENCY; IMMUNODEFICIENCY 41 WITH LYMPHOPROLIFERATION AND AUTOIMMUNITY. Identifiers: Orphanet 169100, MedGen C1853392, MONDO:0011664, OMIM 606367.

Allele frequency attached by ClinVar (database versions not stated): TOPMed below 0.00001; gnomAD 0.00001; gnomAD exomes 0.00001.

Submissions (2):

Ambry Genetics
Classification: Uncertain significance. Last evaluated: 2025-10-15. Review status: criteria provided, single submitter. Criteria: Ambry Variant Classification Scheme 2023. Collection method: clinical testing. Allele origin: germline.

Labcorp Genetics (formerly Invitae), Labcorp
Classification: Uncertain significance for Immunodeficiency due to CD25 deficiency. Last evaluated: 2022-07-17. Review status: criteria provided, single submitter. Criteria: Invitae Variant Classification Sherloc (09022015). Collection method: clinical testing. Allele origin: germline.
Comment: This sequence change replaces arginine, which is basic and polar, with tryptophan, which is neutral and slightly polar, at codon 88 of the IL2RA protein (p.Arg88Trp). This variant is present in population databases (no rsID available, gnomAD 0.003%). This variant has not been reported in the literature in individuals affected with IL2RA-related conditions. ClinVar contains an entry for this variant (Variation ID: 1056850). Algorithms developed to predict the effect of missense changes on protein structure and function are either unavailable or do not agree on the potential impact of this missense change (SIFT: "Deleterious"; PolyPhen-2: "Benign"; Align-GVGD: "Class C15"). In summary, the available evidence is currently insufficient to determine the role of this variant in disease. Therefore, it has been classified as a Variant of Uncertain Significance.

NM_000417.3(IL2RA):c.262C>T (p.Arg88Trp)

Gene: IL2RA (interleukin 2 receptor subunit alpha; minus strand). Cytogenetic location: 10p15.1.
Variant type: single nucleotide variant.
Coding change: c.262C>T on transcript NM_000417.3 (MANE Select); coding-DNA position 262, C replaced by T.
Protein change: p.Arg88Trp; replaces arginine 88 with tryptophan.
Molecular consequence: missense variant.
Genome position (GRCh38, 1-based): chr10:6,024,349, G>A on the plus strand (C>T on the coding strand, the complement: IL2RA is on the minus strand). VCF-style: chr10-6024349-G-A. GRCh37 (hg19) VCF-style: chr10-6066312-G-A.
Other names: c.262C>T (NM_000417.2); c.262C>T, p.Arg88Trp (NM_001308242.2, NM_001308243.2); short protein forms R88W.
Identifiers: ClinVar variation 1056850 (VCV001056850.6), dbSNP rs919412627, ClinGen allele CA202295672.
Genomic context (GRCh38, chr10:6,024,349, plus strand): 5'-CTGTGGTTTTCCTTTCTTTCTGTTCTTCAGGTTGAGGTGTCACTTGTTTCGTTGTGTTCC[G>A]AGTGGCTAGAAAATATAGATGGAATGATGCAGATAATTTCACAAATGCTTCATAGAAAAC-3'
Protein context (NP_000408.1, residues 78-98): NQCQCTSSAT[Arg88Trp]NTTKQVTPQP